The following is an entry in ClinVar:

NM_000497.4(CYP11B1):c.1377_1378del (p.Glu459fs)

Genes: CYP11B1 (cytochrome P450 family 11 subfamily B member 1; minus strand), LOC106799833 (CYP11B1 recombination region; plus strand). Cytogenetic location: 8q24.3.
Variant type: Microsatellite.
Coding change: c.1377_1378del on transcript NM_000497.4 (MANE Select); coding-DNA positions 1377 to 1378, 2 bases deleted (GA; older notation c.1377_1378delGA).
Protein change: p.Glu459fs; shifts the reading frame from glutamic acid 459.
Molecular consequence: frameshift variant. On other transcripts: intron variant (1).
Genome position (GRCh38, 1-based): chr8:142,874,977-142,874,978, TC deleted on the plus strand (GA on the coding strand, the reverse complement: CYP11B1 is on the minus strand); deleting any 2 consecutive bases within chr8:142,874,977-142,874,981 gives the same sequence; the c. name uses the placement nearest the transcript's 3' end. VCF-style (leftmost placement, unchanged base first): chr8-142874976-ATC-A. GRCh37 (hg19) VCF-style: chr8-143956392-ATC-A.
Other names: c.1200+256_1200+257del (NM_001026213.1); short protein forms E459fs.
Identifiers: ClinVar variation 2706631 (VCV002706631.3), dbSNP rs2488675314, ClinGen allele CA2697550185.

ClinVar aggregate classification (germline): Pathogenic (1 of 4 stars; one submission).

Submission:

Labcorp Genetics (formerly Invitae), Labcorp
Classification: Pathogenic. Last evaluated: 2023-12-30. Review status: criteria provided, single submitter. Criteria: Invitae Variant Classification Sherloc (09022015). Collection method: clinical testing. Allele origin: germline.
Comment: This sequence change results in a frameshift in the CYP11B1 gene (p.Glu459Aspfs*78). While this is not anticipated to result in nonsense mediated decay, it is expected to disrupt the last 45 amino acid(s) of the CYP11B1 protein and extend the protein by 32 additional amino acid residues. This variant is not present in population databases (gnomAD no frequency). This variant has not been reported in the literature in individuals affected with CYP11B1-related conditions. This variant disrupts a region of the CYP11B1 protein in which other variant(s) (p.Leu489Ser) have been determined to be pathogenic (PMID: 17124386, 33830237). This suggests that this is a clinically significant region of the protein, and that variants that disrupt it are likely to be disease-causing. For these reasons, this variant has been classified as Pathogenic.

Literature cited by the submitters: PubMed 17124386; PubMed 33830237.